The following is an entry in ClinVar:

ClinVar aggregate classification (germline): Likely benign. Review status: criteria provided, multiple submitters, no conflicts (2 of 4 stars). 3 submissions from 3 submitters: Likely benign (3). Last evaluated 2025-09-22.

Conditions:
Hereditary sensory neuropathy-deafness-dementia syndrome. Also called: HSN IE; Hereditary sensory neuropathy type IE; Hereditary Sensory and Autonomic Neuropathy Type 1E (HSAN1E); NEUROPATHY, HEREDITARY SENSORY, WITH HEARING LOSS AND DEMENTIA. Identifiers: Orphanet 456318, MedGen C3279885, MONDO:0013584, OMIM 614116.

Allele frequency attached by ClinVar (database versions not stated): gnomAD 0.00001; TOPMed 0.00001; ExAC 0.00002; gnomAD exomes 0.00002.
gnomAD v4.1: 24 of 1,614,050 alleles (0.0015%); highest among the groups gnomAD compares: East Asian, 0.0045%; no homozygotes.

Submissions (3):

Labcorp Genetics (formerly Invitae), Labcorp
Classification: Likely benign for Hereditary sensory neuropathy-deafness-dementia syndrome. Last evaluated: 2025-09-22. Review status: criteria provided, single submitter. Criteria: Invitae Variant Classification Sherloc (09022015). Collection method: clinical testing. Allele origin: germline.

Blueprint Genetics
Classification: Likely benign. Last evaluated: 2024-03-13. Review status: criteria provided, single submitter. Criteria: ACMG Guidelines, 2015. Collection method: clinical testing. Allele origin: germline.

GeneDx
Classification: Likely benign. Last evaluated: 2015-11-09. Review status: criteria provided, single submitter. Criteria: GeneDx Variant Classification (06012015). Collection method: clinical testing. Allele origin: germline. Affected: yes.
Comment: This variant is considered likely benign or benign based on one or more of the following criteria: it is a conservative change, it occurs at a poorly conserved position in the protein, it is predicted to be benign by multiple in silico algorithms, and/or has population frequency not consistent with disease.

NM_001130823.3(DNMT1):c.1131C>T (p.Asp377=)

Gene: DNMT1 (DNA methyltransferase 1; minus strand). Cytogenetic location: 19p13.2.
Variant type: single nucleotide variant.
Coding change: c.1131C>T on transcript NM_001130823.3 (MANE Select); coding-DNA position 1131, C replaced by T.
Protein change: p.Asp377=; no amino-acid change (aspartic acid 377 retained).
Molecular consequence: synonymous variant.
Genome position (GRCh38, 1-based): chr19:10,159,881, G>A on the plus strand (C>T on the coding strand, the complement: DNMT1 is on the minus strand). VCF-style: chr19-10159881-G-A. GRCh37 (hg19) VCF-style: chr19-10270557-G-A.
Other names: c.1131C>T (LRG_362t1); c.1083C>T, p.Asp361= (NM_001318730.2, NM_001379.4); c.768C>T, p.Asp256= (NM_001318731.2).
Identifiers: ClinVar variation 381076 (VCV000381076.9), dbSNP rs760064256, ClinGen allele CA9188377.